The following is an entry in ClinVar:

NM_001042492.3(NF1):c.1527+3A>T

Gene: NF1 (neurofibromin 1; plus strand). Cytogenetic location: 17q11.2.
Variant type: single nucleotide variant.
Coding change: c.1527+3A>T on transcript NM_001042492.3 (MANE Select); 3 bases into the intron after coding-DNA position 1527, A replaced by T.
Molecular consequence: intron variant.
Genome position (GRCh38, 1-based): chr17:31,214,588, A>T. VCF-style: chr17-31214588-A-T. GRCh37 (hg19) VCF-style: chr17-29541606-A-T.
Other names: c.1527+3A>T (NM_000267.4, NM_001128147.3).
Identifiers: ClinVar variation 4752898 (VCV004752898.1).

ClinVar aggregate classification (germline): Uncertain significance (1 of 4 stars; one submission).

Conditions:
Neurofibromatosis, type 1 (NF1). Also called: NEUROFIBROMATOSIS, TYPE I, SOMATIC; Neurofibromatosis, type I; VON RECKLINGHAUSEN DISEASE; Peripheral type neurofibromatosis. Identifiers: Orphanet 636, MedGen C0027831, MONDO:0018975, OMIM 162200. Disease mechanism: loss of function.

Submission:

Labcorp Genetics (formerly Invitae), Labcorp
Classification: Uncertain significance for Neurofibromatosis, type 1. Last evaluated: 2025-10-18. Review status: criteria provided, single submitter. Criteria: Invitae Variant Classification Sherloc (09022015). Collection method: clinical testing. Allele origin: germline.
Comment: This sequence change falls in intron 13 of the NF1 gene. It does not directly change the encoded amino acid sequence of the NF1 protein. It affects a nucleotide within the consensus splice site. This variant is not present in population databases (gnomAD no frequency). This variant has not been reported in the literature in individuals affected with NF1-related conditions. Variants that disrupt the consensus splice site are a relatively common cause of aberrant splicing (PMID: 17576681, 9536098). Algorithms developed to predict the effect of sequence changes on RNA splicing suggest that this variant may disrupt the consensus splice site. In summary, the available evidence is currently insufficient to determine the role of this variant in disease. Therefore, it has been classified as a Variant of Uncertain Significance.

Literature cited by the submitters: PubMed 17576681; PubMed 9536098.